The following is an entry in ClinVar:

ClinVar aggregate classification (germline): Uncertain significance (1 of 4 stars; one submission).

Allele frequency attached by ClinVar (database versions not stated): gnomAD exomes below 0.00001.
gnomAD v4.1: 2 of 1,583,030 alleles (0.00013%); highest among the groups gnomAD compares: Admixed American, 0.0018%; no homozygotes.

Submission:

Labcorp Genetics (formerly Invitae), Labcorp
Classification: Uncertain significance. Last evaluated: 2022-02-24. Review status: criteria provided, single submitter. Criteria: Invitae Variant Classification Sherloc (09022015). Collection method: clinical testing. Allele origin: germline.
Comment: This sequence change replaces valine, which is neutral and non-polar, with alanine, which is neutral and non-polar, at codon 385 of the CNGB1 protein (p.Val385Ala). This variant is present in population databases (no rsID available, gnomAD 0.004%). This variant has not been reported in the literature in individuals affected with CNGB1-related conditions. Advanced modeling of protein sequence and biophysical properties (such as structural, functional, and spatial information, amino acid conservation, physicochemical variation, residue mobility, and thermodynamic stability) performed at Invitae indicates that this missense variant is not expected to disrupt CNGB1 protein function. In summary, the available evidence is currently insufficient to determine the role of this variant in disease. Therefore, it has been classified as a Variant of Uncertain Significance.

NM_001297.5(CNGB1):c.1154T>C (p.Val385Ala)

Gene: CNGB1 (cyclic nucleotide gated channel subunit beta 1; minus strand). Cytogenetic location: 16q21.
Variant type: single nucleotide variant.
Coding change: c.1154T>C on transcript NM_001297.5 (MANE Select); coding-DNA position 1154, T replaced by C.
Protein change: p.Val385Ala; replaces valine 385 with alanine.
Molecular consequence: missense variant.
Genome position (GRCh38, 1-based): chr16:57,940,289, A>G on the plus strand (T>C on the coding strand, the complement: CNGB1 is on the minus strand). VCF-style: chr16-57940289-A-G. GRCh37 (hg19) VCF-style: chr16-57974193-A-G.
Other names: c.1136T>C, p.Val379Ala (NM_001286130.2); short protein forms V379A, V385A.
Identifiers: ClinVar variation 2102907 (VCV002102907.4), dbSNP rs1406457114, ClinGen allele CA396073656.